The following is an entry in ClinVar:

NM_000071.3(CBS):c.1192A>G (p.Lys398Glu)

Gene: CBS (cystathionine beta-synthase; minus strand). Cytogenetic location: 21q22.3.
Variant type: single nucleotide variant.
Coding change: c.1192A>G on transcript NM_000071.3 (MANE Select); coding-DNA position 1192, A replaced by G.
Protein change: p.Lys398Glu; replaces lysine 398 with glutamic acid.
Molecular consequence: missense variant.
Genome position (GRCh38, 1-based): chr21:43,059,257, T>C on the plus strand (A>G on the coding strand, the complement: CBS is on the minus strand). VCF-style: chr21-43059257-T-C. GRCh37 (hg19) VCF-style: chr21-44479367-T-C.
Other names: c.1192A>G, p.Lys398Glu (NM_001178008.3, NM_001178009.3, NM_001320298.2); c.877A>G, p.Lys293Glu (NM_001321072.1); short protein forms K293E, K398E.
Identifiers: ClinVar variation 2045476 (VCV002045476.4), dbSNP rs2517402887, ClinGen allele CA410397726.

ClinVar aggregate classification (germline): Uncertain significance (1 of 4 stars; one submission).

Conditions:
HYPERHOMOCYSTEINEMIA, THROMBOTIC, CBS-RELATED. Identifiers: MedGen C3150344, OMIM 236200.

Submission:

Labcorp Genetics (formerly Invitae), Labcorp
Classification: Uncertain significance for HYPERHOMOCYSTEINEMIA, THROMBOTIC, CBS-RELATED. Last evaluated: 2021-12-17. Review status: criteria provided, single submitter. Criteria: Invitae Variant Classification Sherloc (09022015). Collection method: clinical testing. Allele origin: germline.
Comment: In summary, the available evidence is currently insufficient to determine the role of this variant in disease. Therefore, it has been classified as a Variant of Uncertain Significance. Algorithms developed to predict the effect of missense changes on protein structure and function output the following: SIFT: "Tolerated"; PolyPhen-2: "Benign"; Align-GVGD: "Class C0". The glutamic acid amino acid residue is found in multiple mammalian species, which suggests that this missense change does not adversely affect protein function. This variant has not been reported in the literature in individuals affected with CBS-related conditions. This variant is not present in population databases (gnomAD no frequency). This sequence change replaces lysine, which is basic and polar, with glutamic acid, which is acidic and polar, at codon 398 of the CBS protein (p.Lys398Glu).